The following is an entry in ClinVar:

NM_000257.4(MYH7):c.442A>G (p.Ser148Gly)

Gene: MYH7 (myosin heavy chain 7; minus strand). Cytogenetic location: 14q11.2.
Variant type: single nucleotide variant.
Coding change: c.442A>G on transcript NM_000257.4 (MANE Select); coding-DNA position 442, A replaced by G.
Protein change: p.Ser148Gly; replaces serine 148 with glycine.
Molecular consequence: missense variant.
Genome position (GRCh38, 1-based): chr14:23,432,699, T>C on the plus strand (A>G on the coding strand, the complement: MYH7 is on the minus strand). VCF-style: chr14-23432699-T-C. GRCh37 (hg19) VCF-style: chr14-23901908-T-C.
Other names: c.442A>G, p.Ser148Gly (NM_001407004.1); short protein forms S148G.
Identifiers: ClinVar variation 3619075 (VCV003619075.2).

ClinVar aggregate classification (germline): Uncertain significance (1 of 4 stars; one submission).

Conditions:
Hypertrophic cardiomyopathy. Also called: HYPERTROPHIC MYOCARDIOPATHY. Identifiers: Orphanet 217569, MedGen C0007194, MeSH D002312, MONDO:0005045, HP:0001639.

gnomAD v4.1: 3 of 1,614,062 alleles (0.00019%); highest among the groups gnomAD compares: Admixed American, 0.0033%; no homozygotes.

Submission:

Labcorp Genetics (formerly Invitae), Labcorp
Classification: Uncertain significance for Hypertrophic cardiomyopathy. Last evaluated: 2024-11-30. Review status: criteria provided, single submitter. Criteria: Invitae Variant Classification Sherloc (09022015). Collection method: clinical testing. Allele origin: germline.
Comment: This sequence change replaces serine, which is neutral and polar, with glycine, which is neutral and non-polar, at codon 148 of the MYH7 protein (p.Ser148Gly). This variant is present in population databases (rs730880836, gnomAD 0.006%). This variant has not been reported in the literature in individuals affected with MYH7-related conditions. Invitae Evidence Modeling of protein sequence and biophysical properties (such as structural, functional, and spatial information, amino acid conservation, physicochemical variation, residue mobility, and thermodynamic stability) has been performed for this missense variant. However, the output from this modeling did not meet the statistical confidence thresholds required to predict the impact of this variant on MYH7 protein function. In summary, the available evidence is currently insufficient to determine the role of this variant in disease. Therefore, it has been classified as a Variant of Uncertain Significance.